The following is an entry in ClinVar:

NM_001130965.3(SUN1):c.1863T>G (p.Gly621=)

Gene: SUN1 (Sad1 and UNC84 domain containing 1; plus strand). Cytogenetic location: 7p22.3.
Variant type: single nucleotide variant.
Coding change: c.1863T>G on transcript NM_001130965.3 (MANE Select); coding-DNA position 1863, T replaced by G.
Protein change: p.Gly621=; no amino-acid change (glycine 621 retained).
Molecular consequence: synonymous variant. On other transcripts: non-coding transcript variant (3).
Genome position (GRCh38, 1-based): chr7:861,463, T>G. VCF-style: chr7-861463-T-G. GRCh37 (hg19) VCF-style: chr7-901100-T-G.
Other names: c.1725T>G, p.Gly575= (NM_001367648.1); c.1908T>G, p.Gly636= (NM_001367649.1); c.2277T>G, p.Gly759= (NM_001367651.1); c.1863T>G, p.Gly621= (NM_001367653.1, NM_001367633.1, NM_001367634.1); c.2073T>G, p.Gly691= (NM_001367655.1, NM_001367700.1); c.1149T>G, p.Gly383= (NM_001367658.1); c.1680T>G, p.Gly560= (NM_001367660.1); c.1710T>G, p.Gly570= (NM_001367662.1, NM_001367671.1); and 43 more.
Identifiers: ClinVar variation 2748268 (VCV002748268.3), dbSNP rs2488220186, ClinGen allele CA453375447.

ClinVar aggregate classification (germline): Uncertain significance (1 of 4 stars; one submission).

Conditions:
Emery-Dreifuss muscular dystrophy (EDMD). Also called: Scapuloperoneal syndrome, X-linked (formerly); Humeroperoneal neuromuscular disease, (formerly). Identifiers: Orphanet 261, MedGen C0410189, MONDO:0016830.

Submission:

Labcorp Genetics (formerly Invitae), Labcorp
Classification: Uncertain significance for Emery-Dreifuss muscular dystrophy. Last evaluated: 2023-08-07. Review status: criteria provided, single submitter. Criteria: Invitae Variant Classification Sherloc (09022015). Collection method: clinical testing. Allele origin: germline.
Comment: This variant is not present in population databases (gnomAD no frequency). In summary, the available evidence is currently insufficient to determine the role of this variant in disease. Therefore, it has been classified as a Variant of Uncertain Significance. Algorithms developed to predict the effect of sequence changes on RNA splicing suggest that this variant is not likely to affect RNA splicing. This variant has not been reported in the literature in individuals affected with SUN1-related conditions. This sequence change affects codon 621 of the SUN1 mRNA. It is a 'silent' change, meaning that it does not change the encoded amino acid sequence of the SUN1 protein. It affects a nucleotide within the consensus splice site.